The following is an entry in ClinVar:

ClinVar aggregate classification (germline): Uncertain significance. Review status: criteria provided, multiple submitters, no conflicts (2 of 4 stars). 3 submissions from 3 submitters: Uncertain significance (3). Last evaluated 2026-03-18.

Conditions:
Familial thoracic aortic aneurysm and aortic dissection (TAAD). Also called: Thoracic aortic aneurysms and dissections. Identifiers: Orphanet 91387, MedGen C4707243, MONDO:0019625.

Allele frequency attached by ClinVar (database versions not stated): TOPMed below 0.00001; gnomAD 0.00001; gnomAD exomes below 0.00001.
gnomAD v4.1: 4 of 1,613,036 alleles (0.00025%); highest among the groups gnomAD compares: East Asian, 0.0022%; no homozygotes.

Submissions (3):

GeneDx
Classification: Uncertain significance. Last evaluated: 2026-03-18. Review status: criteria provided, single submitter. Criteria: GeneDx Variant Classification Process June 2021. Collection method: clinical testing. Allele origin: germline.
Comment: Not observed at significant frequency in large population cohorts (gnomAD); In silico analysis suggests that this missense variant does not alter protein structure/function; Has not been previously published as pathogenic or benign to our knowledge

Ambry Genetics
Classification: Uncertain significance for Familial thoracic aortic aneurysm and aortic dissection. Last evaluated: 2025-09-24. Review status: criteria provided, single submitter. Criteria: Ambry Variant Classification Scheme 2023. Collection method: clinical testing. Allele origin: germline.
Comment: The p.V331I variant (also known as c.991G>A), located in coding exon 7 of the SMAD3 gene, results from a G to A substitution at nucleotide position 991. The valine at codon 331 is replaced by isoleucine, an amino acid with highly similar properties. This amino acid position is highly conserved in available vertebrate species. In addition, this alteration is predicted to be deleterious by in silico analysis. Based on the available evidence, the clinical significance of this variant remains unclear.

Labcorp Genetics (formerly Invitae), Labcorp
Classification: Uncertain significance for Familial thoracic aortic aneurysm and aortic dissection. Last evaluated: 2022-01-11. Review status: criteria provided, single submitter. Criteria: Invitae Variant Classification Sherloc (09022015). Collection method: clinical testing. Allele origin: germline.
Comment: In summary, the available evidence is currently insufficient to determine the role of this variant in disease. Therefore, it has been classified as a Variant of Uncertain Significance. Algorithms developed to predict the effect of missense changes on protein structure and function are either unavailable or do not agree on the potential impact of this missense change (SIFT: "Not Available"; PolyPhen-2: "Benign"; Align-GVGD: "Not Available"). ClinVar contains an entry for this variant (Variation ID: 1044963). This variant has not been reported in the literature in individuals affected with SMAD3-related conditions. This variant is present in population databases (no rsID available, gnomAD 0.01%). This sequence change replaces valine, which is neutral and non-polar, with isoleucine, which is neutral and non-polar, at codon 331 of the SMAD3 protein (p.Val331Ile).

NM_005902.4(SMAD3):c.991G>A (p.Val331Ile)

Gene: SMAD3 (SMAD family member 3; plus strand). Cytogenetic location: 15q22.33.
Variant type: single nucleotide variant.
Coding change: c.991G>A on transcript NM_005902.4 (MANE Select); coding-DNA position 991, G replaced by A.
Protein change: p.Val331Ile; replaces valine 331 with isoleucine.
Molecular consequence: missense variant.
Genome position (GRCh38, 1-based): chr15:67,184,846, G>A. VCF-style: chr15-67184846-G-A. GRCh37 (hg19) VCF-style: chr15-67477184-G-A.
Other names: c.676G>A, p.Val226Ile (NM_001145102.2); c.859G>A, p.Val287Ile (NM_001145103.2); c.406G>A, p.Val136Ile (NM_001145104.2); c.991G>A (NM_005902.3); short protein forms V226I, V331I, V136I, V287I.
Identifiers: ClinVar variation 1044963 (VCV001044963.10), dbSNP rs1320208623, ClinGen allele CA392957298.